The following is an entry in ClinVar:

NM_001201543.2(FAM161A):c.4G>A (p.Ala2Thr)

Gene: FAM161A (FAM161 centrosomal protein A; minus strand). Cytogenetic location: 2p15.
Variant type: single nucleotide variant.
Coding change: c.4G>A on transcript NM_001201543.2 (MANE Select); coding-DNA position 4, G replaced by A.
Protein change: p.Ala2Thr; replaces alanine 2 with threonine.
Molecular consequence: missense variant. On other transcripts: non-coding transcript variant (1).
Genome position (GRCh38, 1-based): chr2:61,854,038, C>T on the plus strand (G>A on the coding strand, the complement: FAM161A is on the minus strand). VCF-style: chr2-61854038-C-T. GRCh37 (hg19) VCF-style: chr2-62081173-C-T.
Other names: c.4G>A, p.Ala2Thr (NM_032180.3); short protein forms A2T.
Identifiers: ClinVar variation 1985299 (VCV001985299.1), dbSNP rs759665974, ClinGen allele CA1679466.

ClinVar aggregate classification (germline): Uncertain significance (1 of 4 stars; one submission).

Allele frequency attached by ClinVar (database versions not stated): gnomAD exomes below 0.00001.
gnomAD v4.1: 2 of 1,605,674 alleles (0.00012%); highest among the groups gnomAD compares: Non-Finnish European, 0.000085%; no homozygotes.

Submission:

Labcorp Genetics (formerly Invitae), Labcorp
Classification: Uncertain significance. Last evaluated: 2021-09-17. Review status: criteria provided, single submitter. Criteria: Invitae Variant Classification Sherloc (09022015). Collection method: clinical testing. Allele origin: germline.
Comment: This sequence change replaces alanine with threonine at codon 2 of the FAM161A protein (p.Ala2Thr). The alanine residue is moderately conserved and there is a small physicochemical difference between alanine and threonine. The frequency data for this variant in the population databases is considered unreliable, as metrics indicate poor data quality at this position in the ExAC database. This variant has not been reported in the literature in individuals with FAM161A-related conditions. Algorithms developed to predict the effect of missense changes on protein structure and function are either unavailable or do not agree on the potential impact of this missense change (SIFT: "Deleterious"; PolyPhen-2: "Possibly Damaging"; Align-GVGD: "Class C0"). In summary, the available evidence is currently insufficient to determine the role of this variant in disease. Therefore, it has been classified as a Variant of Uncertain Significance.